The following is an entry in ClinVar:

NM_001943.5(DSG2):c.2636A>G (p.Glu879Gly)

Genes: DSG2 (desmoglein 2; plus strand), DSG2-AS1 (DSG2 antisense RNA 1; minus strand). Cytogenetic location: 18q12.1.
Variant type: single nucleotide variant.
Coding change: c.2636A>G on transcript NM_001943.5 (MANE Select); coding-DNA position 2636, A replaced by G.
Protein change: p.Glu879Gly; replaces glutamic acid 879 with glycine.
Molecular consequence: missense variant.
Genome position (GRCh38, 1-based): chr18:31,546,022, A>G. VCF-style: chr18-31546022-A-G. GRCh37 (hg19) VCF-style: chr18-29125985-A-G.
Other names: short protein forms E879G.
Identifiers: ClinVar variation 2775239 (VCV002775239.3), dbSNP rs1462778603, ClinGen allele CA402145774.

ClinVar aggregate classification (germline): Uncertain significance. Review status: criteria provided, multiple submitters, no conflicts (2 of 4 stars). 2 submissions from 2 submitters: Uncertain significance (2). Last evaluated 2024-09-30.

Conditions:
Cardiomyopathy (CMYO). Also called: Cardiomyopathies. Identifiers: Orphanet 167848, MedGen C0878544, MONDO:0004994, HP:0001638. Inheritance: Various modes of inheritance.
Arrhythmogenic right ventricular cardiomyopathy (ARVD). Also called: Arrhythmogenic right ventricular dysplasia; Cardiomyopathy, ARVC; Arrhythmogenic cardiomyopathy; Arrhythmogenic Right Ventricular Cardiomyopathy (ARVC). Identifiers: Orphanet 247, MedGen C0349788, MeSH D019571, MONDO:0016587. Disease mechanism: loss of function. Inheritance: Various modes of inheritance.

Allele frequency attached by ClinVar (database versions not stated): gnomAD exomes below 0.00001.
gnomAD v4.1: 1 of 1,614,210 alleles (0.000062%); highest among the groups gnomAD compares: South Asian, 0.0011%; no homozygotes.

Submissions (2):

Color Diagnostics, LLC DBA Color Health
Classification: Uncertain significance for Cardiomyopathy. Last evaluated: 2024-09-30. Review status: criteria provided, single submitter. Criteria: ACMG Guidelines, 2015. Collection method: clinical testing. Allele origin: germline.
Comment: This missense variant replaces glutamic acid with glycine at codon 879 of the DSG2 protein. Computational prediction suggests that this variant may not impact protein structure and function (internally defined REVEL score threshold <= 0.5, PMID: 27666373). To our knowledge, functional studies have not been reported for this variant. This variant has not been reported in individuals affected with DSG2-related disorders in the literature. This variant has been identified in 1/248652 chromosomes in the general population by the Genome Aggregation Database (gnomAD). The available evidence is insufficient to determine the role of this variant in disease conclusively. Therefore, this variant is classified as a Variant of Uncertain Significance.

All of Us Research Program, National Institutes of Health
Classification: Uncertain significance for Arrhythmogenic right ventricular cardiomyopathy. Last evaluated: 2023-12-18. Review status: criteria provided, single submitter. Criteria: ACMG Guidelines, 2015. Collection method: clinical testing. Allele origin: germline. Inheritance: Autosomal dominant inheritance. Observed: 1 variant allele, 1 heterozygote.
Comment: This missense variant replaces glutamic acid with glycine at codon 879 of the DSG2 protein. Computational prediction suggests that this variant may not impact protein structure and function (internally defined REVEL score threshold <= 0.5, PMID: 27666373). To our knowledge, functional studies have not been reported for this variant. This variant has not been reported in individuals affected with DSG2-related disorders in the literature. This variant has been identified in 1/248652 chromosomes in the general population by the Genome Aggregation Database (gnomAD). The available evidence is insufficient to determine the role of this variant in disease conclusively. Therefore, this variant is classified as a Variant of Uncertain Significance.

This study involves interpretation of variants in research participants for the purpose of population health screening. Participant phenotype was not available at the time of variant classification. Additional details can be found in publication PMID: 35346344, PMCID: PMC8962531